The following is an entry in ClinVar:

NM_000260.4(MYO7A):c.3594C>A (p.Cys1198Ter)

Gene: MYO7A (myosin VIIA; plus strand). Cytogenetic location: 11q13.5.
Variant type: single nucleotide variant.
Coding change: c.3594C>A on transcript NM_000260.4 (MANE Select); coding-DNA position 3594, C replaced by A.
Protein change: p.Cys1198Ter; replaces cysteine 1198 with a stop codon.
Molecular consequence: nonsense.
Genome position (GRCh38, 1-based): chr11:77,189,434, C>A. VCF-style: chr11-77189434-C-A. GRCh37 (hg19) VCF-style: chr11-76900479-C-A.
Other names: c.3594C>A, p.Cys1198Ter (NM_001127180.2); c.3561C>A, p.Cys1187Ter (NM_001369365.1); short protein forms C1198*, C1187*.
Identifiers: ClinVar variation 555608 (VCV000555608.6), dbSNP rs782694195, ClinGen allele CA6198121.

ClinVar aggregate classification (germline): Pathogenic. Review status: criteria provided, multiple submitters, no conflicts (2 of 4 stars). 4 submissions from 4 submitters: Pathogenic (3). 1 of the submissions does not count toward it. Last evaluated 2025-07-14.

Conditions:
Autosomal dominant nonsyndromic hearing loss 11. Identifiers: Orphanet 90635, MedGen C1832475, MONDO:0011032, OMIM 601317.
Autosomal recessive nonsyndromic hearing loss 2. Also called: DEAFNESS, AUTOSOMAL RECESSIVE 2; NEUROSENSORY NONSYNDROMIC RECESSIVE DEAFNESS 2. Identifiers: Orphanet 90636, MedGen C1838701, MONDO:0010807, OMIM 600060.
Usher syndrome type 1 (USH1). Also called: RETINITIS PIGMENTOSA AND CONGENITAL DEAFNESS. Identifiers: Orphanet 231169, Orphanet 886, MedGen C1568247, MONDO:0010168, OMIM 276900.
Usher syndrome type 1B (USH1B). Also called: Usher syndrome type IB. Identifiers: MedGen C1848638, MONDO:0700087.

Allele frequency attached by ClinVar (database versions not stated): TOPMed 0.00002; gnomAD 0.00001.

Submissions (4):

GeneDx
Classification: Pathogenic. Last evaluated: 2025-07-14. Review status: criteria provided, single submitter. Criteria: GeneDx Variant Classification Process June 2021. Collection method: clinical testing. Allele origin: germline. Affected: yes.
Comment: Nonsense variant predicted to result in protein truncation or nonsense mediated decay in a gene for which loss of function is a known mechanism of disease; Not observed at significant frequency in large population cohorts (gnomAD); This variant is associated with the following publications: (PMID: 31589614, 21569298, 25404053, 21436283, 31964843, 34948090)

Natera, Inc.
Classification: Pathogenic for Usher syndrome type 1B. Last evaluated: 2024-05-23. Review status: criteria provided, single submitter. Criteria: Natera Variant Classification Schema (03/2026). Collection method: clinical testing. Allele origin: germline.
Comment: The c.3594C>A variant in MYO7A is a nonsense variant predicted to introduce a stop codon at amino acid 1198. This variant is expected to result in nonsense mediated decay, truncation, or a dysfunctional protein product. This variant is rare in the general population with a frequency below the threshold expected for the associated phenotype(s). This variant has been observed in one or more individuals affected with the associated recessive disease, as either homozygous or compound heterozygous with a second variant (PMID: 27460420). Additionally, this variant has been observed to segregate in affected family members (PMID: 25404053). Given the available evidence, this variant is classified as Pathogenic.

Fulgent Genetics
Classification: Pathogenic for Usher syndrome type 1; Autosomal recessive nonsyndromic hearing loss 2; Autosomal dominant nonsyndromic hearing loss 11. Last evaluated: 2024-04-11. Review status: criteria provided, single submitter. Criteria: ACMG Guidelines, 2015. Collection method: clinical testing. Allele origin: germline.

Counsyl
Classification: Pathogenic for Usher syndrome type 1; Autosomal recessive nonsyndromic hearing loss 2. Last evaluated: 2017-12-14. Review status: no assertion criteria provided. Collection method: clinical testing. Allele origin: unknown. Not counted in ClinVar's aggregate classification.

Literature cited by the submitters: PubMed 27460420 (cited by Natera, Inc.); PubMed 25404053 (cited by Natera, Inc. and Counsyl); PubMed 21569298 (cited by Counsyl).